The following is an entry in ClinVar:

NM_005359.6(SMAD4):c.547C>T (p.Gln183Ter)

Gene: SMAD4 (SMAD family member 4; plus strand). Cytogenetic location: 18q21.2.
Variant type: single nucleotide variant.
Coding change: c.547C>T on transcript NM_005359.6 (MANE Select); coding-DNA position 547, C replaced by T.
Protein change: p.Gln183Ter; replaces glutamine 183 with a stop codon.
Molecular consequence: nonsense.
Genome position (GRCh38, 1-based): chr18:51,054,873, C>T. VCF-style: chr18-51054873-C-T. GRCh37 (hg19) VCF-style: chr18-48581243-C-T.
Other names: short protein forms Q183*.
Identifiers: ClinVar variation 839230 (VCV000839230.11), dbSNP rs1555685645, ClinGen allele CA402460916.

ClinVar aggregate classification (germline): Pathogenic. Review status: criteria provided, multiple submitters, no conflicts (2 of 4 stars). 3 submissions from 3 submitters: Pathogenic (3). Last evaluated 2026-02-18.

Conditions:
Familial thoracic aortic aneurysm and aortic dissection (TAAD). Also called: Thoracic aortic aneurysms and dissections. Identifiers: Orphanet 91387, MedGen C4707243, MONDO:0019625.
Hereditary cancer-predisposing syndrome. Also called: Hereditary neoplastic syndrome; Tumor predisposition; Hereditary Cancer Syndrome; Neoplastic Syndromes, Hereditary. Identifiers: Orphanet 140162, MedGen C0027672, MeSH D009386, MONDO:0015356.
Juvenile polyposis syndrome (JPS). Identifiers: Orphanet 2929, MedGen C0345893, MONDO:0017380, OMIM 174900.
Juvenile polyposis/hereditary hemorrhagic telangiectasia syndrome (JPHT). Also called: JP/HHT SYNDROME; JUVENILE POLYPOSIS WITH HEREDITARY HEMORRHAGIC TELANGIECTASIA; POLYPOSIS, GENERALIZED JUVENILE, WITH PULMONARY ARTERIOVENOUS MALFORMATION; TELANGIECTASIA, HEREDITARY HEMORRHAGIC, WITH JUVENILE POLYPOSIS COLI; Juvenile Polyposis Syndrome / Hereditary Hemorrhagic Telangiectasia (JPS/HHT). Identifiers: Orphanet 2929, MedGen C1832942, MONDO:0008278, OMIM 175050.

Submissions (3):

Myriad Genetics, Inc.
Classification: Pathogenic for Juvenile polyposis/hereditary hemorrhagic telangiectasia syndrome. Last evaluated: 2026-02-18. Review status: criteria provided, single submitter. Criteria: Myriad Autosomal Dominant, Autosomal Recessive and X-Linked Classification Criteria (2023). Collection method: clinical testing. Allele origin: unknown.
Comment: This variant is considered pathogenic. This variant creates a termination codon and is predicted to result in premature protein truncation.

Labcorp Genetics (formerly Invitae), Labcorp
Classification: Pathogenic for Juvenile polyposis syndrome. Last evaluated: 2023-12-10. Review status: criteria provided, single submitter. Criteria: Invitae Variant Classification Sherloc (09022015). Collection method: clinical testing. Allele origin: germline.
Comment: This sequence change creates a premature translational stop signal (p.Gln183*) in the SMAD4 gene. It is expected to result in an absent or disrupted protein product. Loss-of-function variants in SMAD4 are known to be pathogenic (PMID: 16152648, 16436638, 22810475). This variant is not present in population databases (gnomAD no frequency). This variant has not been reported in the literature in individuals affected with SMAD4-related conditions. ClinVar contains an entry for this variant (Variation ID: 839230). For these reasons, this variant has been classified as Pathogenic.

Ambry Genetics
Classification: Pathogenic for Hereditary cancer-predisposing syndrome; Familial thoracic aortic aneurysm and aortic dissection. Last evaluated: 2018-12-20. Review status: criteria provided, single submitter. Criteria: Ambry Variant Classification Scheme 2023. Collection method: clinical testing. Allele origin: germline.
Comment: The p.Q183* pathogenic mutation (also known as c.547C>T), located in coding exon 4 of the SMAD4 gene, results from a C to T substitution at nucleotide position 547. This changes the amino acid from a glutamine to a stop codon within coding exon 4. This alteration is expected to result in loss of function by premature protein truncation or nonsense-mediated mRNA decay. As such, this alteration is interpreted as a disease-causing mutation.

Literature cited by the submitters: PubMed 16152648 (cited by Labcorp Genetics (formerly Invitae), Labcorp); PubMed 16436638 (cited by Labcorp Genetics (formerly Invitae), Labcorp); PubMed 22810475 (cited by Labcorp Genetics (formerly Invitae), Labcorp).